The following is an entry in ClinVar:

ClinVar aggregate classification (germline): Uncertain significance (1 of 4 stars; one submission).

Submission:

Labcorp Genetics (formerly Invitae), Labcorp
Classification: Uncertain significance. Last evaluated: 2025-07-27. Review status: criteria provided, single submitter. Criteria: Invitae Variant Classification Sherloc (09022015). Collection method: clinical testing. Allele origin: germline.
Comment: This sequence change replaces arginine, which is basic and polar, with glycine, which is neutral and non-polar, at codon 2094 of the SRCAP protein (p.Arg2094Gly). This variant is not present in population databases (gnomAD no frequency). This variant has not been reported in the literature in individuals affected with SRCAP-related conditions. Invitae Evidence Modeling of protein sequence and biophysical properties (such as structural, functional, and spatial information, amino acid conservation, physicochemical variation, residue mobility, and thermodynamic stability) has been performed for this missense variant. However, the output from this modeling did not meet the statistical confidence thresholds required to predict the impact of this variant on SRCAP protein function. In summary, the available evidence is currently insufficient to determine the role of this variant in disease. Therefore, it has been classified as a Variant of Uncertain Significance.

NM_006662.3(SRCAP):c.6280A>G (p.Arg2094Gly)

Gene: SRCAP (Snf2 related CREBBP activator protein; plus strand). Cytogenetic location: 16p11.2.
Variant type: single nucleotide variant.
Coding change: c.6280A>G on transcript NM_006662.3 (MANE Select); coding-DNA position 6280, A replaced by G.
Protein change: p.Arg2094Gly; replaces arginine 2094 with glycine.
Molecular consequence: missense variant.
Genome position (GRCh38, 1-based): chr16:30,733,432, A>G. VCF-style: chr16-30733432-A-G. GRCh37 (hg19) VCF-style: chr16-30744753-A-G.
Other names: short protein forms R2094G.
Identifiers: ClinVar variation 4779424 (VCV004779424.1).